The following is an entry in ClinVar:

ClinVar aggregate classification (germline): Uncertain significance (1 of 4 stars; one submission).

Conditions:
Hereditary cancer-predisposing syndrome. Also called: Neoplastic Syndromes, Hereditary; Tumor predisposition; Hereditary neoplastic syndrome; Hereditary Cancer Syndrome. Identifiers: Orphanet 140162, MedGen C0027672, MeSH D009386, MONDO:0015356.

Submission:

Ambry Genetics
Classification: Uncertain significance for Hereditary cancer-predisposing syndrome. Last evaluated: 2026-07-21. Review status: criteria provided, single submitter. Criteria: Ambry Variant Classification Scheme 2023. Collection method: clinical testing. Allele origin: germline.
Comment: The c.1358dupG variant, located in coding exon 10 of the POLD1 gene, results from a duplication of G at nucleotide position 1358, causing a translational frameshift with a predicted alternate stop codon (p.R454Pfs*181). This variant is expected to result in protein truncation or nonsense-mediated mRNA decay. However, loss of function has not been established as a mechanism of disease. Based on the available evidence, the clinical significance of this variant remains unclear.

NM_002691.4(POLD1):c.1358dup (p.Arg454fs)

Gene: POLD1 (DNA polymerase delta 1, catalytic subunit; plus strand). Cytogenetic location: 19q13.33.
Variant type: Duplication.
Coding change: c.1358dup on transcript NM_002691.4 (MANE Select); coding-DNA position 1358, one base duplicated (G; older notation c.1358dupG).
Protein change: p.Arg454fs; shifts the reading frame from arginine 454.
Molecular consequence: frameshift variant. On other transcripts: non-coding transcript variant (1).
Genome position (GRCh38, 1-based): chr19:50,406,297, G duplicated; the last of 3 consecutive G bases (chr19:50,406,295-50,406,297); duplicating any one gives the same sequence. VCF-style (leftmost placement, unchanged base first): chr19-50406294-T-TG. GRCh37 (hg19) VCF-style: chr19-50909551-T-TG.
Other names: c.1358dup, p.Arg454fs (NM_001256849.1, NM_001308632.1, NM_001438210.1 and 3 more transcripts); short protein forms R454fs.
Identifiers: ClinVar variation 5026986 (VCV005026986.1).
Genomic context (GRCh38, chr19:50,406,294, plus strand): 5'-GGGACTCTTCATTCCAGTCCAAGCAGACGGGCCGGCGGGACACCAAGGTTGTCAGCATGG[T>TG]GGGCCGCGTGCAGATGGACATGCTGCAGGTATGGGCGGGAGGTGGGGTGTGTCCCTGTCC-3'